The following is an entry in ClinVar:

NM_031935.3(HMCN1):c.13973G>A (p.Ser4658Asn)

Gene: HMCN1 (hemicentin 1; plus strand). Cytogenetic location: 1q31.1.
Variant type: single nucleotide variant.
Coding change: c.13973G>A on transcript NM_031935.3 (MANE Select); coding-DNA position 13973, G replaced by A.
Protein change: p.Ser4658Asn; replaces serine 4658 with asparagine.
Molecular consequence: missense variant.
Genome position (GRCh38, 1-based): chr1:186,144,221, G>A. VCF-style: chr1-186144221-G-A. GRCh37 (hg19) VCF-style: chr1-186113353-G-A.
Other names: short protein forms S4658N.
Identifiers: ClinVar variation 3630881 (VCV003630881.2).
Genomic context (GRCh38, chr1:186,144,221, plus strand): 5'-GGGTGTTTGCAGTTCATGGAGCATGGAGCGCTTGGCAGCCTTGGGGAACATGCAGCGAAA[G>A]TTGTGGGAAAGGTACTCAGACAAGAGCAAGACTTTGTAATAACCCACCACCAGCGTTTGG-3'
Protein context (NP_114141.2, residues 4648-4668): AWQPWGTCSE[Ser4658Asn]CGKGTQTRAR

ClinVar aggregate classification (germline): Uncertain significance (1 of 4 stars; one submission).

gnomAD v4.1: 15 of 1,612,114 alleles (0.00093%); highest among the groups gnomAD compares: Non-Finnish European, 0.0012%; no homozygotes.

Submission:

Labcorp Genetics (formerly Invitae), Labcorp
Classification: Uncertain significance. Last evaluated: 2025-11-18. Review status: criteria provided, single submitter. Criteria: Invitae Variant Classification Sherloc (09022015). Collection method: clinical testing. Allele origin: germline.
Comment: This sequence change replaces serine, which is neutral and polar, with asparagine, which is neutral and polar, at codon 4658 of the HMCN1 protein (p.Ser4658Asn). This variant is not present in population databases (gnomAD no frequency). This variant has not been reported in the literature in individuals affected with HMCN1-related conditions. ClinVar contains an entry for this variant (Variation ID: 3630881). An algorithm developed to predict the effect of missense changes on protein structure and function (PolyPhen-2) suggests that this variant is likely to be tolerated. In summary, the available evidence is currently insufficient to determine the role of this variant in disease. Therefore, it has been classified as a Variant of Uncertain Significance.